The following is an entry in ClinVar:

ClinVar aggregate classification (germline): Uncertain significance (1 of 4 stars; one submission).

Conditions:
Pyridoxine-dependent epilepsy (EPEO4). Also called: Pyridoxine-Dependent Seizures; PYRIDOXINE DEPENDENCY WITH SEIZURES; EPILEPSY, EARLY-ONSET, 4, VITAMIN B6-DEPENDENT; Pyridoxine-Dependent Epilepsy - ALDH7A1. Identifiers: Orphanet 3006, MedGen C1849508, MONDO:0009945, OMIM 266100. Disease mechanism: loss of function.

Submission:

Labcorp Genetics (formerly Invitae), Labcorp
Classification: Uncertain significance for Pyridoxine-dependent epilepsy. Last evaluated: 2017-07-30. Review status: criteria provided, single submitter. Criteria: Invitae Variant Classification Sherloc (09022015). Collection method: clinical testing. Allele origin: germline.
Comment: This sequence change replaces alanine with proline at codon 318 of the ALDH7A1 protein (p.Ala318Pro). The alanine residue is moderately conserved and there is a small physicochemical difference between alanine and proline. This variant is not present in population databases (ExAC no frequency). This variant has been reported in combination with another ALDH7A1 variant in an individual affected with pyridoxine-dependent epilepsy (PMID: 24664145). In summary, this variant is a rare missense change with uncertain impact on protein function. While it is absent from the population and reported in an affected individual, the available evidence is currently insufficient to determine its role in disease. Therefore, it has been classified as a Variant of Uncertain Significance. Algorithms developed to predict the effect of missense changes on protein structure and function (SIFT, PolyPhen-2, Align-GVGD) all suggest that this variant is likely to be disruptive, but these predictions have not been confirmed by published functional studies.

Literature cited by the submitters: PubMed 24664145.

NM_001182.5(ALDH7A1):c.952G>C (p.Ala318Pro)

Gene: ALDH7A1 (aldehyde dehydrogenase 7 family member A1; minus strand). Cytogenetic location: 5q23.2.
Variant type: single nucleotide variant.
Coding change: c.952G>C on transcript NM_001182.5 (MANE Select); coding-DNA position 952, G replaced by C.
Protein change: p.Ala318Pro; replaces alanine 318 with proline.
Molecular consequence: missense variant.
Genome position (GRCh38, 1-based): chr5:126,559,296, C>G on the plus strand (G>C on the coding strand, the complement: ALDH7A1 is on the minus strand). VCF-style: chr5-126559296-C-G. GRCh37 (hg19) VCF-style: chr5-125894988-C-G.
Other names: c.868G>C, p.Ala290Pro (NM_001201377.2); c.952G>C, p.Ala318Pro (NM_001202404.2); short protein forms A318P, A290P.
Identifiers: ClinVar variation 465335 (VCV000465335.7), dbSNP rs936151635, ClinGen allele CA360726764.